The following is an entry in ClinVar:

ClinVar aggregate classification (germline): Uncertain significance (1 of 4 stars; one submission).

Conditions:
Chuvash polycythemia. Also called: POLYCYTHEMIA, VHL-DEPENDENT. Identifiers: Orphanet 238557, MedGen C1837915, MONDO:0009892, OMIM 263400.
Von Hippel-Lindau syndrome (VHLS). Also called: Von Hippel-Lindau; von Hippel–Lindau syndrome; VHL syndrome. Identifiers: Orphanet 892, MedGen C0019562, MONDO:0008667, OMIM 193300. Disease mechanism: loss of function.

Submission:

Labcorp Genetics (formerly Invitae), Labcorp
Classification: Uncertain significance for Von Hippel-Lindau syndrome; Chuvash polycythemia. Last evaluated: 2022-01-27. Review status: criteria provided, single submitter. Criteria: Invitae Variant Classification Sherloc (09022015). Collection method: clinical testing. Allele origin: germline.
Comment: This sequence change falls in intron 1 of the VHL gene. It is not expected to change the encoded amino acid sequence of the VHL protein. However, this sequence change falls within a cryptic exon in the VHL gene, known as exon E1’, which is naturally expressed at low levels in several human tissues (PMID: 29891534). This variant is not present in population databases (gnomAD no frequency). This variant has not been reported in the literature in individuals affected with VHL-related conditions. Experimental studies and prediction algorithms are not available or were not evaluated, and the functional significance of this variant is currently unknown. In summary, the available evidence is currently insufficient to determine the role of this variant in disease. Therefore, it has been classified as a Variant of Uncertain Significance.

Literature cited by the submitters: PubMed 29891534.

NM_000551.4(VHL):c.340+739T>G

Genes: VHL (von Hippel-Lindau tumor suppressor; plus strand), LOC107303340 (3p25 von Hippel-Lindau tumor suppressor, E3 ubiquitin protein ligase Alu-mediated recombination region; plus strand). Cytogenetic location: 3p25.3.
Variant type: single nucleotide variant.
Coding change: c.340+739T>G on transcript NM_000551.4 (MANE Select); 739 bases into the intron after coding-DNA position 340, T replaced by G.
Molecular consequence: intron variant. On other transcripts: synonymous variant (1).
Genome position (GRCh38, 1-based): chr3:10,142,926, T>G. VCF-style: chr3-10142926-T-G. GRCh37 (hg19) VCF-style: chr3-10184610-T-G.
Other names: c.504T>G, p.Ala168= (NM_001354723.2); c.340+739T>G (NM_198156.3).
Identifiers: ClinVar variation 1356606 (VCV001356606.8), dbSNP rs2125126047, ClinGen allele CA2573136128.